The following is an entry in ClinVar:

NM_006302.3(MOGS):c.884A>G (p.Glu295Gly)

Gene: MOGS (mannosyl-oligosaccharide glucosidase; minus strand). Cytogenetic location: 2p13.1.
Variant type: single nucleotide variant.
Coding change: c.884A>G on transcript NM_006302.3 (MANE Select); coding-DNA position 884, A replaced by G.
Protein change: p.Glu295Gly; replaces glutamic acid 295 with glycine.
Molecular consequence: missense variant.
Genome position (GRCh38, 1-based): chr2:74,462,905, T>C on the plus strand (A>G on the coding strand, the complement: MOGS is on the minus strand). VCF-style: chr2-74462905-T-C. GRCh37 (hg19) VCF-style: chr2-74690032-T-C.
Other names: c.566A>G, p.Glu189Gly (NM_001146158.2); short protein forms E295G, E189G.
Identifiers: ClinVar variation 1976173 (VCV001976173.5), dbSNP rs1671967811, ClinGen allele CA347378810.

ClinVar aggregate classification (germline): Uncertain significance (1 of 4 stars; one submission).

Conditions:
MOGS-congenital disorder of glycosylation. Also called: CDG IIb; GLUCOSIDASE I DEFICIENCY; CDG 2B; MOGS-CDG. Identifiers: Orphanet 79330, MedGen C1853736, MONDO:0011629, OMIM 606056.

Submission:

Labcorp Genetics (formerly Invitae), Labcorp
Classification: Uncertain significance for MOGS-congenital disorder of glycosylation. Last evaluated: 2022-11-01. Review status: criteria provided, single submitter. Criteria: Invitae Variant Classification Sherloc (09022015). Collection method: clinical testing. Allele origin: germline.
Comment: This variant is not present in population databases (gnomAD no frequency). In summary, the available evidence is currently insufficient to determine the role of this variant in disease. Therefore, it has been classified as a Variant of Uncertain Significance. Advanced modeling of protein sequence and biophysical properties (such as structural, functional, and spatial information, amino acid conservation, physicochemical variation, residue mobility, and thermodynamic stability) performed at Invitae indicates that this missense variant is not expected to disrupt MOGS protein function. This variant has not been reported in the literature in individuals affected with MOGS-related conditions. This sequence change replaces glutamic acid, which is acidic and polar, with glycine, which is neutral and non-polar, at codon 295 of the MOGS protein (p.Glu295Gly).